The following is an entry in ClinVar:

ClinVar aggregate classification (germline): Uncertain significance. Review status: criteria provided, multiple submitters, no conflicts (2 of 4 stars). 7 submissions from 7 submitters: Uncertain significance (5). 2 of the submissions do not count toward it. Last evaluated 2023-11-10.

Conditions:
Neuronal ceroid lipofuscinosis. Also called: Neuronal Ceroid Lipofuscinoses. Identifiers: Orphanet 216, Orphanet 79263, MedGen C0027877, MONDO:0016295. Disease mechanism: loss of function.
Neuronal ceroid lipofuscinosis 8 (CLN8). Also called: CLN8-Related Neuronal Ceroid-Lipofuscinosis. Identifiers: Orphanet 168491, Orphanet 228354, Orphanet 79264, MedGen C1838570, MONDO:0010830, OMIM 600143.

Allele frequency attached by ClinVar (database versions not stated): gnomAD 0.00003 and 0.00004; TOPMed 0.00003; ExAC 0.00004; gnomAD exomes 0.00004 and 0.00005; ESP Exome Variant Server 0.00008.
gnomAD v4.1: 75 of 1,614,112 alleles (0.0046%); highest among the groups gnomAD compares: Middle Eastern, 0.016%; no homozygotes.

Submissions (7):

Blueprint Genetics
Classification: Uncertain significance. Last evaluated: 2023-11-10. Review status: criteria provided, single submitter. Criteria: ACMG Guidelines, 2015. Collection method: clinical testing. Allele origin: germline.

Labcorp Genetics (formerly Invitae), Labcorp
Classification: Uncertain significance for Neuronal ceroid lipofuscinosis. Last evaluated: 2022-07-23. Review status: criteria provided, single submitter. Criteria: Invitae Variant Classification Sherloc (09022015). Collection method: clinical testing. Allele origin: germline.
Comment: This sequence change replaces glycine, which is neutral and non-polar, with serine, which is neutral and polar, at codon 221 of the CLN8 protein (p.Gly221Ser). This variant is present in population databases (rs386834136, gnomAD 0.01%). This missense change has been observed in individual(s) with late infantile neuronal ceroid lipofucinosis (PMID: 21990111). ClinVar contains an entry for this variant (Variation ID: 56717). Advanced modeling of protein sequence and biophysical properties (such as structural, functional, and spatial information, amino acid conservation, physicochemical variation, residue mobility, and thermodynamic stability) performed at Invitae indicates that this missense variant is not expected to disrupt CLN8 protein function. Algorithms developed to predict the effect of sequence changes on RNA splicing suggest that this variant may create or strengthen a splice site. In summary, the available evidence is currently insufficient to determine the role of this variant in disease. Therefore, it has been classified as a Variant of Uncertain Significance.

Women's Health and Genetics/Laboratory Corporation of America, LabCorp
Classification: Uncertain significance. Last evaluated: 2021-12-01. Review status: criteria provided, single submitter. Criteria: LabCorp Variant Classification Summary - May 2015. Collection method: clinical testing. Allele origin: germline.
Comment: Variant summary: CLN8 c.661G>A (p.Gly221Ser) results in a non-conservative amino acid change located in the TRAM/LAG1/CLN8 homology domain (IPR006634) of the encoded protein sequence. Four of five in-silico tools predict a benign effect of the variant on protein function. The variant allele was found at a frequency of 4.4e-05 in 251482 control chromosomes (gnomAD). This frequency is lower than the maximum expected for a pathogenic variant in CLN8 causing Neuronal Ceroid-Lipofuscinosis (Batten Disease) (0.00087), allowing no conclusion about variant significance. c.661G>A has been reported in the literature in an individual affected with Neuronal Ceroid-Lipofuscinosis (Batten Disease), however no phenotype details were provided (Kousi_2012). This report does not provide unequivocal conclusions about association of the variant with Neuronal Ceroid-Lipofuscinosis (Batten Disease). To our knowledge, no experimental evidence demonstrating an impact on protein function has been reported. Three clinical diagnostic laboratories have submitted clinical-significance assessments for this variant to ClinVar after 2014 without evidence for independent evaluation. All laboratories classified the variant as uncertain significance. Based on the evidence outlined above, the variant was classified as uncertain significance.

Athena Diagnostics
Classification: Uncertain significance. Last evaluated: 2017-12-15. Review status: criteria provided, single submitter. Criteria: Athena Diagnostics Criteria. Collection method: clinical testing. Allele origin: germline.

Eurofins Ntd Llc (ga)
Classification: Uncertain significance. Last evaluated: 2017-04-12. Review status: criteria provided, single submitter. Criteria: EGL Classification Definitions 2015. Collection method: clinical testing. Allele origin: germline. Observed: 1 variant allele, 1 heterozygote.

Natera, Inc.
Classification: Uncertain significance for Neuronal ceroid lipofuscinosis 8. Last evaluated: 2020-03-10. Review status: no assertion criteria provided. Collection method: clinical testing. Allele origin: germline. Not counted in ClinVar's aggregate classification.

Juha Muilu Group; Institute for Molecular Medicine Finland (FIMM)
Classification: Likely pathogenic for Ceroid lipofuscinosis neuronal 8. Review status: no assertion criteria provided. Collection method: not provided. Allele origin: unknown. Not counted in ClinVar's aggregate classification.
Comment: FinDis database variant: This variant was not found or characterized by our laboratory, data were collected from public sources: see reference
ClinVar note: Converted during submission from probable-pathogenic to Likely pathogenic.

Literature cited by the submitters: PubMed 21990111 (cited by 3 submitters); PubMed 30919163 (cited by Women's Health and Genetics/Laboratory Corporation of America, LabCorp); PubMed 27553520 (cited by Women's Health and Genetics/Laboratory Corporation of America, LabCorp).

NM_018941.4(CLN8):c.661G>A (p.Gly221Ser)

Gene: CLN8 (CLN8 transmembrane ER and ERGIC protein; plus strand). Cytogenetic location: 8p23.3.
Variant type: single nucleotide variant.
Coding change: c.661G>A on transcript NM_018941.4 (MANE Select); coding-DNA position 661, G replaced by A.
Protein change: p.Gly221Ser; replaces glycine 221 with serine.
Molecular consequence: missense variant.
Genome position (GRCh38, 1-based): chr8:1,780,367, G>A. VCF-style: chr8-1780367-G-A. GRCh37 (hg19) VCF-style: chr8-1728533-G-A.
Other names: short protein forms G221S.
Identifiers: ClinVar variation 56717 (VCV000056717.17), dbSNP rs386834136, ClinGen allele CA264188.
Genomic context (GRCh38, chr8:1,780,367, plus strand): 5'-TTTCACTGCCGCATGGTTCTAACCTACCACATGTGGTGGGTGTGTTTCTGGCACTGGGAC[G>A]GCCTGGTCAGCAGCCTGTATCTGCCTCATTTGACACTGTTCCTTGTCGGACTGGCTCTGC-3'
Protein context (NP_061764.2, residues 211-231): MWWVCFWHWD[Gly221Ser]LVSSLYLPHL